The following is an entry in ClinVar:

ClinVar aggregate classification (germline): Uncertain significance (1 of 4 stars; one submission).

Conditions:
PLXNA4-related disorder. Also called: PLXNA4-related condition.

gnomAD v4.1: 1 of 1,614,182 alleles (0.000062%); highest among the groups gnomAD compares: Non-Finnish European, 0.000085%; no homozygotes.

Submission:

PreventionGenetics, part of Exact Sciences
Classification: Uncertain significance for PLXNA4-related condition. Last evaluated: 2025-03-19. Review status: criteria provided, single submitter. Criteria: ACMG Guidelines, 2015. Collection method: clinical testing. Allele origin: germline.
Comment: The PLXNA4 c.5182G>A variant is predicted to result in the amino acid substitution p.Gly1728Ser. To our knowledge, this variant has not been reported in the literature or in a large population database (gnomAD), indicating this variant is rare. At this time, the clinical significance of this variant is uncertain due to the absence of conclusive functional and genetic evidence.

NM_020911.2(PLXNA4):c.5182G>A (p.Gly1728Ser)

Gene: PLXNA4 (plexin A4; minus strand). Cytogenetic location: 7q32.3.
Variant type: single nucleotide variant.
Coding change: c.5182G>A on transcript NM_020911.2 (MANE Select); coding-DNA position 5182, G replaced by A.
Protein change: p.Gly1728Ser; replaces glycine 1728 with serine.
Molecular consequence: missense variant.
Genome position (GRCh38, 1-based): chr7:132,145,162, C>T on the plus strand (G>A on the coding strand, the complement: PLXNA4 is on the minus strand). VCF-style: chr7-132145162-C-T. GRCh37 (hg19) VCF-style: chr7-131829921-C-T.
Other names: c.5182G>A, p.Gly1728Ser (NM_001393897.1); short protein forms G1728S.
Identifiers: ClinVar variation 4980804 (VCV004980804.1).
Genomic context (GRCh38, chr7:132,145,162, plus strand): 5'-GCCCTCCCTTCACTCACCAATTGCTCTTCCAGGTATGGCGGACGTGCGGGTCATGAATGC[C>T]ATGTTTATCAGCCTGCTCATCCAGGAAGTCAAACATGTACTTGATGGCCAGGGGCAGGGC-3'
Protein context (NP_065962.1, residues 1718-1738): DFLDEQADKH[Gly1728Ser]IHDPHVRHTW